The following is an entry in ClinVar:

ClinVar aggregate classification (germline): Uncertain significance (1 of 4 stars; one submission).

Conditions:
Epilepsy. Also called: Seizure disorder. Identifiers: MedGen C0014544, MeSH D004827, MONDO:0005027.

Allele frequency attached by ClinVar (database versions not stated): gnomAD exomes below 0.00001; gnomAD 0.00001; TOPMed 0.00001.

Submission:

Labcorp Genetics (formerly Invitae), Labcorp
Classification: Uncertain significance for Epilepsy. Last evaluated: 2021-11-06. Review status: criteria provided, single submitter. Criteria: Invitae Variant Classification Sherloc (09022015). Collection method: clinical testing. Allele origin: germline.
Comment: In summary, the available evidence is currently insufficient to determine the role of this variant in disease. Therefore, it has been classified as a Variant of Uncertain Significance. Algorithms developed to predict the effect of missense changes on protein structure and function are either unavailable or do not agree on the potential impact of this missense change (SIFT: "Deleterious"; PolyPhen-2: "Probably Damaging"; Align-GVGD: "Class C0"). This variant has not been reported in the literature in individuals affected with PIGQ-related conditions. This variant is present in population databases (no rsID available, gnomAD 0.003%). This sequence change replaces histidine, which is basic and polar, with arginine, which is basic and polar, at codon 37 of the PIGQ protein (p.His37Arg).

NM_004204.5(PIGQ):c.110A>G (p.His37Arg)

Gene: PIGQ (phosphatidylinositol glycan anchor biosynthesis class Q; plus strand). Cytogenetic location: 16p13.3.
Variant type: single nucleotide variant.
Coding change: c.110A>G on transcript NM_004204.5 (MANE Select); coding-DNA position 110, A replaced by G.
Protein change: p.His37Arg; replaces histidine 37 with arginine.
Molecular consequence: missense variant.
Genome position (GRCh38, 1-based): chr16:574,184, A>G. VCF-style: chr16-574184-A-G. GRCh37 (hg19) VCF-style: chr16-624184-A-G.
Other names: c.110A>G, p.His37Arg (NM_148920.4); short protein forms H37R.
Identifiers: ClinVar variation 1404207 (VCV001404207.6), dbSNP rs1453234953, ClinGen allele CA394045691.